The following is an entry in ClinVar:

NM_000051.4(ATM):c.8672G>T (p.Gly2891Val)

Genes: C11orf65 (chromosome 11 open reading frame 65; minus strand), ATM (ATM serine/threonine kinase; plus strand). Cytogenetic location: 11q22.3.
Variant type: single nucleotide variant.
Coding change: c.8672G>T on transcript NM_000051.4 (MANE Select); coding-DNA position 8672, G replaced by T.
Protein change: p.Gly2891Val; replaces glycine 2891 with valine.
Molecular consequence: missense variant. On other transcripts: intron variant (2).
Genome position (GRCh38, 1-based): chr11:108,353,766, G>T. VCF-style: chr11-108353766-G-T. GRCh37 (hg19) VCF-style: chr11-108224493-G-T.
Other names: c.8672G>T, p.Gly2891Val (NM_001351834.2); c.640+32154C>A (NM_001330368.2); c.695-18474C>A (NM_001351110.2); short protein forms G2891V.
Identifiers: ClinVar variation 453742 (VCV000453742.16), dbSNP rs748192003, ClinGen allele CA382523445.
Genomic context (GRCh38, chr11:108,353,766, plus strand): 5'-ACTGGAAAGAAAGTAAATTAGCTGTCAAACCTCCTAACTTCACTGTATTCTTTACTTTAG[G>T]TGTTGCTTTTGAACAGGGCAAAATCCTTCCTACTCCTGAGACAGTTCCTTTTAGACTCAC-3'
Protein context (NP_000042.3, residues 2881-2901): QSAELVHIDL[Gly2891Val]VAFEQGKILP

ClinVar aggregate classification (germline): Uncertain significance. Review status: criteria provided, multiple submitters, no conflicts (2 of 4 stars). 5 submissions from 5 submitters: Uncertain significance (4). 1 of the submissions does not count toward it. Last evaluated 2025-09-17.

Conditions:
Hereditary cancer-predisposing syndrome. Also called: Neoplastic Syndromes, Hereditary; Hereditary Cancer Syndrome; Tumor predisposition; Hereditary neoplastic syndrome. Identifiers: Orphanet 140162, MedGen C0027672, MeSH D009386, MONDO:0015356.
Ataxia-telangiectasia syndrome (AT). Also called: LOUIS-BAR SYNDROME; Cerebello-oculocutaneous telangiectasia; Immunodeficiency with ataxia telangiectasia; Ataxia-telangiectasia, complementation group D; AT, COMPLEMENTATION GROUP C; Ataxia-telangiectasia, complementation group E. Identifiers: Orphanet 100, MedGen C0004135, MONDO:0008840, OMIM 208900.
Familial cancer of breast. Also called: Hereditary breast cancer; BREAST CANCER, FAMILIAL; hereditary breast carcinoma. Identifiers: Orphanet 227535, MedGen C0346153, MONDO:0016419, OMIM 114480. Disease mechanism: loss of function.

gnomAD v4.1: 1 of 1,599,628 alleles (0.000063%); highest among the groups gnomAD compares: Non-Finnish European, 0.000086%; no homozygotes.

Submissions (5):

Ambry Genetics
Classification: Uncertain significance for Hereditary cancer-predisposing syndrome. Last evaluated: 2025-09-17. Review status: criteria provided, single submitter. Criteria: Ambry Variant Classification Scheme 2023. Collection method: clinical testing. Allele origin: germline.
Comment: The p.G2891V variant (also known as c.8672G>T) is located in coding exon 59 of the ATM gene. The glycine at codon 2891 is replaced by valine, an amino acid with dissimilar properties. This change occurs in the first base pair of coding exon 59. This amino acid position is highly conserved in available vertebrate species. In addition, this alteration is predicted to be deleterious by in silico analysis. Since supporting evidence is limited at this time, the clinical significance of this alteration remains unclear.

Labcorp Genetics (formerly Invitae), Labcorp
Classification: Uncertain significance for Ataxia-telangiectasia syndrome. Last evaluated: 2025-03-17. Review status: criteria provided, single submitter. Criteria: Invitae Variant Classification Sherloc (09022015). Collection method: clinical testing. Allele origin: germline.
Comment: This sequence change replaces glycine, which is neutral and non-polar, with valine, which is neutral and non-polar, at codon 2891 of the ATM protein (p.Gly2891Val). This variant is not present in population databases (gnomAD no frequency). This variant has not been reported in the literature in individuals affected with ATM-related conditions. ClinVar contains an entry for this variant (Variation ID: 453742). An algorithm developed to predict the effect of missense changes on protein structure and function (PolyPhen-2) suggests that this variant is likely to be disruptive. RNA analysis performed to evaluate the impact of this missense change on mRNA splicing indicates it does not significantly alter splicing (internal data). In summary, the available evidence is currently insufficient to determine the role of this variant in disease. Therefore, it has been classified as a Variant of Uncertain Significance.

Baylor Genetics
Classification: Uncertain significance for Familial cancer of breast. Last evaluated: 2024-03-29. Review status: criteria provided, single submitter. Criteria: ACMG Guidelines, 2015. Collection method: clinical testing. Allele origin: unknown.

GeneDx
Classification: Uncertain significance. Last evaluated: 2020-02-14. Review status: criteria provided, single submitter. Criteria: GeneDx Variant Classification Process June 2021. Collection method: clinical testing. Allele origin: germline. Affected: yes.
Comment: Not observed in large population cohorts (Lek 2016); In silico analysis supports that this missense variant has a deleterious effect on protein structure/function; Has not been previously published as pathogenic or benign to our knowledge

Counsyl
Classification: Uncertain significance for Ataxia-telangiectasia syndrome. Last evaluated: 2018-05-14. Review status: no assertion criteria provided. Collection method: clinical testing. Allele origin: unknown. Not counted in ClinVar's aggregate classification.